The following is an entry in ClinVar:

ClinVar aggregate classification (germline): Uncertain significance (1 of 4 stars; one submission).

Allele frequency attached by ClinVar (database versions not stated): gnomAD exomes below 0.00001; TOPMed below 0.00001; gnomAD 0.00001.
gnomAD v4.1: 2 of 1,613,940 alleles (0.00012%); highest among the groups gnomAD compares: Non-Finnish European, 0.00017%; no homozygotes.

Submission:

Ambry Genetics
Classification: Uncertain significance. Last evaluated: 2024-08-12. Review status: criteria provided, single submitter. Criteria: Ambry Variant Classification Scheme 2023. Collection method: clinical testing. Allele origin: germline.
Comment: The p.V66A variant (also known as c.197T>C), located in coding exon 1 of the MLH3 gene, results from a T to C substitution at nucleotide position 197. The valine at codon 66 is replaced by alanine, an amino acid with similar properties. This amino acid position is conserved. In addition, the in silico prediction for this alteration is inconclusive. Since supporting evidence is limited at this time, the clinical significance of this alteration remains unclear.

NM_001040108.2(MLH3):c.197T>C (p.Val66Ala)

Gene: MLH3 (mutL homolog 3; minus strand). Cytogenetic location: 14q24.3.
Variant type: single nucleotide variant.
Coding change: c.197T>C on transcript NM_001040108.2 (MANE Select); coding-DNA position 197, T replaced by C.
Protein change: p.Val66Ala; replaces valine 66 with alanine.
Molecular consequence: missense variant.
Genome position (GRCh38, 1-based): chr14:75,049,459, A>G on the plus strand (T>C on the coding strand, the complement: MLH3 is on the minus strand). VCF-style: chr14-75049459-A-G. GRCh37 (hg19) VCF-style: chr14-75516162-A-G.
Other names: c.197T>C, p.Val66Ala (NM_014381.3); short protein forms V66A.
Identifiers: ClinVar variation 1783788 (VCV001783788.3), dbSNP rs1406012470, ClinGen allele CA390451367.
Genomic context (GRCh38, chr14:75,049,459, plus strand): 5'-TTCTCCAAGTCCTGTACCGAGTGGCATTTACTGGTGAAATAACGATTTCCCACTTTCTCT[A>G]CATCATCACTCCCCATCCCAAATCCATTGTCTATCACTTGAACTTGGAAGGTTTCCATAT-3'
Protein context (NP_001035197.1, residues 56-76): DNGFGMGSDD[Val66Ala]EKVGNRYFTS